The following is an entry in ClinVar:

ClinVar aggregate classification (germline): Uncertain significance (1 of 4 stars; one submission).

Conditions:
Galactosylceramide beta-galactosidase deficiency. Also called: Krabbe Disease; GALACTOCEREBROSIDASE DEFICIENCY; GALC DEFICIENCY; GLOBOID CELL LEUKOENCEPHALOPATHY; Leukodystrophy, Globoid Cell. Identifiers: Orphanet 487, MedGen C0023521, MONDO:0009499, OMIM 245200.

Allele frequency attached by ClinVar (database versions not stated): TOPMed below 0.00001.

Submission:

Labcorp Genetics (formerly Invitae), Labcorp
Classification: Uncertain significance for Galactosylceramide beta-galactosidase deficiency. Last evaluated: 2021-08-28. Review status: criteria provided, single submitter. Criteria: Invitae Variant Classification Sherloc (09022015). Collection method: clinical testing. Allele origin: germline.
Comment: This sequence change replaces arginine with glycine at codon 13 of the GALC protein (p.Arg13Gly). The arginine residue is weakly conserved and there is a moderate physicochemical difference between arginine and glycine. The frequency data for this variant in the population databases is considered unreliable, as metrics indicate insufficient coverage at this position in the ExAC database. This variant has not been reported in the literature in individuals affected with GALC-related conditions. Algorithms developed to predict the effect of missense changes on protein structure and function output the following: SIFT: "Tolerated"; PolyPhen-2: "Benign"; Align-GVGD: "Class C0". The glycine amino acid residue is found in multiple mammalian species, which suggests that this missense change does not adversely affect protein function. In summary, the available evidence is currently insufficient to determine the role of this variant in disease. Therefore, it has been classified as a Variant of Uncertain Significance.

NM_000153.4(GALC):c.37C>G (p.Arg13Gly)

Gene: GALC (galactosylceramidase; minus strand). Cytogenetic location: 14q31.3.
Variant type: single nucleotide variant.
Coding change: c.37C>G on transcript NM_000153.4 (MANE Select); coding-DNA position 37, C replaced by G.
Protein change: p.Arg13Gly; replaces arginine 13 with glycine.
Molecular consequence: missense variant. On other transcripts: intron variant (1).
Genome position (GRCh38, 1-based): chr14:87,993,128, G>C on the plus strand (C>G on the coding strand, the complement: GALC is on the minus strand). VCF-style: chr14-87993128-G-C. GRCh37 (hg19) VCF-style: chr14-88459472-G-C.
Other names: c.37C>G, p.Arg13Gly (NM_001201401.2); c.117+255C>G (NM_001201402.2); short protein forms R13G.
Identifiers: ClinVar variation 849797 (VCV000849797.3), dbSNP rs1173602413, ClinGen allele CA390772041.